The following is an entry in ClinVar:

ClinVar aggregate classification (germline): Uncertain significance (1 of 4 stars; one submission).

Conditions:
Congenital contractural arachnodactyly (CCA). Also called: BEALS SYNDROME; Arthrogryposis, distal, type 9; Beals-Hecht syndrome. Identifiers: Orphanet 115, MedGen C0220668, MONDO:0007363, OMIM 121050.

Submission:

Labcorp Genetics (formerly Invitae), Labcorp
Classification: Uncertain significance for Congenital contractural arachnodactyly. Last evaluated: 2025-10-04. Review status: criteria provided, single submitter. Criteria: Invitae Variant Classification Sherloc (09022015). Collection method: clinical testing. Allele origin: germline.
Comment: This sequence change replaces valine, which is neutral and non-polar, with methionine, which is neutral and non-polar, at codon 2212 of the FBN2 protein (p.Val2212Met). This variant is not present in population databases (gnomAD no frequency). This variant has not been reported in the literature in individuals affected with FBN2-related conditions. Invitae Evidence Modeling of protein sequence and biophysical properties (such as structural, functional, and spatial information, amino acid conservation, physicochemical variation, residue mobility, and thermodynamic stability) indicates that this missense variant is not expected to disrupt FBN2 protein function with a negative predictive value of 80%. In summary, the available evidence is currently insufficient to determine the role of this variant in disease. Therefore, it has been classified as a Variant of Uncertain Significance.

NM_001999.4(FBN2):c.6634G>A (p.Val2212Met)

Gene: FBN2 (fibrillin 2; minus strand). Cytogenetic location: 5q23.3.
Variant type: single nucleotide variant.
Coding change: c.6634G>A on transcript NM_001999.4 (MANE Select); coding-DNA position 6634, G replaced by A.
Protein change: p.Val2212Met; replaces valine 2212 with methionine.
Molecular consequence: missense variant.
Genome position (GRCh38, 1-based): chr5:128,289,130, C>T on the plus strand (G>A on the coding strand, the complement: FBN2 is on the minus strand). VCF-style: chr5-128289130-C-T. GRCh37 (hg19) VCF-style: chr5-127624822-C-T.
Other names: short protein forms V2212M.
Identifiers: ClinVar variation 4806390 (VCV004806390.1).
Genomic context (GRCh38, chr5:128,289,130, plus strand): 5'-TGAATATGAGAAGTAAAATAGAACTTTAAAATTCTGTAATGTGGAGCCAACACTCACCCA[C>T]ACAGCGTACTCCAGTGTAGTCAAGGTTGTAGCCCATTGGACATTCACAGCGAAAAGATCC-3'
Protein context (NP_001990.2, residues 2202-2222): YNLDYTGVRC[Val2212Met]DTDECSIGNP